The following is an entry in ClinVar:

NM_000018.4(ACADVL):c.1182+5G>A

Gene: ACADVL (acyl-CoA dehydrogenase very long chain; plus strand). Cytogenetic location: 17p13.1.
Variant type: single nucleotide variant.
Coding change: c.1182+5G>A on transcript NM_000018.4 (MANE Select); 5 bases into the intron after coding-DNA position 1182, G replaced by A.
Molecular consequence: intron variant.
Genome position (GRCh38, 1-based): chr17:7,223,242, G>A. VCF-style: chr17-7223242-G-A. GRCh37 (hg19) VCF-style: chr17-7126561-G-A.
Other names: c.1251+5G>A (NM_001270447.2); c.954+5G>A (NM_001270448.2); c.1116+5G>A (NM_001033859.3).
Identifiers: ClinVar variation 1964811 (VCV001964811.6), dbSNP rs2508330680, ClinGen allele CA2516038050.

ClinVar aggregate classification (germline): Uncertain significance. Review status: criteria provided, multiple submitters, no conflicts (2 of 4 stars). 2 submissions from 2 submitters: Uncertain significance (2). Last evaluated 2024-11-13.

Conditions:
Very long chain acyl-CoA dehydrogenase deficiency (ACADVLD). Also called: VLCAD Deficiency; Very Long-Chain Acyl-Coenzyme A Dehydrogenase Deficiency. Identifiers: Orphanet 26793, MedGen C3887523, MONDO:0008723, OMIM 201475.

Allele frequency attached by ClinVar (database versions not stated): gnomAD exomes below 0.00001.

Submissions (2):

Labcorp Genetics (formerly Invitae), Labcorp
Classification: Uncertain significance for Very long chain acyl-CoA dehydrogenase deficiency. Last evaluated: 2024-11-13. Review status: criteria provided, single submitter. Criteria: Invitae Variant Classification Sherloc (09022015). Collection method: clinical testing. Allele origin: germline.
Comment: This sequence change falls in intron 11 of the ACADVL gene. It does not directly change the encoded amino acid sequence of the ACADVL protein. It affects a nucleotide within the consensus splice site. This variant is not present in population databases (gnomAD no frequency). This variant has been observed in individual(s) with a positive newborn screening result for ACADVL-related disease (internal data). ClinVar contains an entry for this variant (Variation ID: 1964811). Variants that disrupt the consensus splice site are a relatively common cause of aberrant splicing (PMID: 17576681, 9536098). Algorithms developed to predict the effect of sequence changes on RNA splicing suggest that this variant may disrupt the consensus splice site. In summary, the available evidence is currently insufficient to determine the role of this variant in disease. Therefore, it has been classified as a Variant of Uncertain Significance.

ARUP Laboratories, Molecular Genetics and Genomics, ARUP Laboratories
Classification: Uncertain significance for Very long chain acyl-CoA dehydrogenase deficiency. Last evaluated: 2024-09-03. Review status: criteria provided, single submitter. Criteria: ARUP Molecular Germline Variant Investigation Process 2024. Collection method: clinical testing. Allele origin: germline.
Comment: The ACADVL c.1182+5G>A variant, to our knowledge, is not reported in the medical literature but is reported in ClinVar (Variation ID: 1964811). This variant is absent from the Genome Aggregation Database (v2.1.1), indicating it is not a common polymorphism. This is an intronic variant in a highly conserved nucleotide, and computational analyses (Alamut v.2.11) predict that this variant may impact splicing by weakening the nearby canonical donor splice site. Another variant impacting the same splice donor site (c.1182+1G>A) has been reported in individuals with VCLAD deficiency and is considered pathogenic (Pena 2016, Strauss 1995). However, given the lack of clinical and functional data, the significance of the c.1182+5G>A variant is uncertain at this time. References: Pena LD et al. Outcomes and genotype-phenotype correlations in 52 individuals with VLCAD deficiency diagnosed by NBS and enrolled in the IBEM-IS database. Mol Genet Metab. 2016 Aug;118(4):272-81. PMID: 27209629. Strauss AW et al. Molecular basis of human mitochondrial very-long-chain acyl-CoA dehydrogenase deficiency causing cardiomyopathy and sudden death in childhood. Proc Natl Acad Sci U S A. 1995 Nov 7;92(23):10496-500. PMID: 7479827.

Literature cited by the submitters: PubMed 17576681 (cited by Labcorp Genetics (formerly Invitae), Labcorp); PubMed 9536098 (cited by Labcorp Genetics (formerly Invitae), Labcorp).